The following is an entry in ClinVar:

NM_001363711.2(DUOX2):c.3529C>T (p.Gln1177Ter)

Gene: DUOX2 (dual oxidase 2; minus strand). Cytogenetic location: 15q21.1.
Variant type: single nucleotide variant.
Coding change: c.3529C>T on transcript NM_001363711.2 (MANE Select); coding-DNA position 3529, C replaced by T.
Protein change: p.Gln1177Ter; replaces glutamine 1177 with a stop codon.
Molecular consequence: nonsense.
Genome position (GRCh38, 1-based): chr15:45,098,045, G>A on the plus strand (C>T on the coding strand, the complement: DUOX2 is on the minus strand). VCF-style: chr15-45098045-G-A. GRCh37 (hg19) VCF-style: chr15-45390243-G-A.
Other names: c.3529C>T, p.Gln1177Ter (NM_014080.5); short protein forms Q1177*.
Identifiers: ClinVar variation 4745661 (VCV004745661.1).

ClinVar aggregate classification (germline): Pathogenic (1 of 4 stars; one submission).

Submission:

Labcorp Genetics (formerly Invitae), Labcorp
Classification: Pathogenic. Last evaluated: 2026-01-21. Review status: criteria provided, single submitter. Criteria: Invitae Variant Classification Sherloc (09022015). Collection method: clinical testing. Allele origin: germline.
Comment: This sequence change creates a premature translational stop signal (p.Gln1177*) in the DUOX2 gene. It is expected to result in an absent or disrupted protein product. Loss-of-function variants in DUOX2 are known to be pathogenic (PMID: 12110737, 18765513, 21565790, 24423310, 24735383). This variant is not present in population databases (gnomAD no frequency). This variant has not been reported in the literature in individuals affected with DUOX2-related conditions. Algorithms developed to predict the effect of sequence changes on RNA splicing suggest that this variant may disrupt the consensus splice site. For these reasons, this variant has been classified as Pathogenic.

Literature cited by the submitters: PubMed 12110737; PubMed 18765513; PubMed 21565790; PubMed 24423310; PubMed 24735383.